The following is an entry in ClinVar:

NM_033100.4(CDHR1):c.10del (p.Cys4fs)

Gene: CDHR1 (cadherin related family member 1; plus strand). Cytogenetic location: 10q23.1.
Variant type: Deletion.
Coding change: c.10del on transcript NM_033100.4 (MANE Select); coding-DNA position 10, one base deleted (T; older notation c.10delT).
Protein change: p.Cys4fs; shifts the reading frame from cysteine 4.
Molecular consequence: frameshift variant.
Genome position (GRCh38, 1-based): chr10:84,194,770, T deleted. VCF-style (leftmost placement, unchanged base first): chr10-84194769-CT-C. GRCh37 (hg19) VCF-style: chr10-85954525-CT-C.
Other names: NM_033100.4(CDHR1):c.10del; p.Cys4fs; c.10del, p.Cys4fs (NM_001171971.3); short protein forms C4fs.
Identifiers: ClinVar variation 1213967 (VCV001213967.4), dbSNP rs2132782773, ClinGen allele CA2499220405.
Genomic context (GRCh38, chr10:84,194,769, plus strand): 5'-CCCCTGCGCCCGGTCTCGGCGGCGGCAGGCGACACTCCGCGCCGGCGGAGACATGAGGCG[CT>C]GCCGGTGGGCCGCCCTGGCCCTGGGGCTGCTGCGCCTCTGCTTGGGTGAGTGGCCGCTGG-3'

ClinVar aggregate classification (germline): Likely pathogenic. Review status: criteria provided, multiple submitters, no conflicts (2 of 4 stars). 2 submissions from 2 submitters: Likely pathogenic (2). Last evaluated 2023-01-25.

Conditions:
Cone-rod dystrophy 15 (CORD15). Identifiers: MedGen C3150912, MONDO:0013348, OMIM 613660.

Submissions (2):

Broad Center for Mendelian Genomics, Broad Institute of MIT and Harvard
Classification: Likely pathogenic for Cone-rod dystrophy 15. Last evaluated: 2023-01-25. Review status: criteria provided, single submitter. Criteria: ACMG Guidelines, 2015. Collection method: curation. Allele origin: germline. Inheritance: Autosomal recessive inheritance.
Comment: The p.Cys4AlafsTer47 variant in CDHR1 has not been previously reported in individuals with autosomal recessive cone-rod dystrophy 15. This variant has also been reported in ClinVar (Variation ID: 1213967) and has been interpreted as likely pathogenic by DBGen Ocular Genomics. This variant was absent from large population studies. This variant is predicted to cause a frameshift, which alters the protein‚Äôs amino acid sequence beginning at position 4 and leads to a premature termination codon 47 amino acids downstream. This alteration is then predicted to lead to a truncated or absent protein. Loss of function of the CDHR1 gene is an established disease mechanism in autosomal recessive cone-rod dystrophy 15. In summary, although additional studies are required to fully establish its clinical significance, this variant is likely pathogenic for autosomal recessive cone-rod dystrophy 15. ACMG/AMP Criteria applied: PVS1, PM2_Supporting (Richards 2015).

DBGen Ocular Genomics
Classification: Likely pathogenic for Cone-rod dystrophy 15. Last evaluated: 2021-06-01. Review status: criteria provided, single submitter. Criteria: ACMG Guidelines, 2015. Collection method: clinical testing. Allele origin: germline. Affected: yes. Observed: 1 variant allele.